The following is an entry in ClinVar:

NM_000090.4(COL3A1):c.2074C>A (p.Pro692Thr)

Gene: COL3A1 (collagen type III alpha 1 chain; plus strand). Cytogenetic location: 2q32.2.
Variant type: single nucleotide variant.
Coding change: c.2074C>A on transcript NM_000090.4 (MANE Select); coding-DNA position 2074, C replaced by A.
Protein change: p.Pro692Thr; replaces proline 692 with threonine.
Molecular consequence: missense variant.
Genome position (GRCh38, 1-based): chr2:188,999,336, C>A. VCF-style: chr2-188999336-C-A. GRCh37 (hg19) VCF-style: chr2-189864062-C-A.
Other names: short protein forms P692T.
Identifiers: ClinVar variation 580745 (VCV000580745.9), dbSNP rs1160258883, ClinGen allele CA349840117.

ClinVar aggregate classification (germline): Uncertain significance (1 of 4 stars; one submission).

Conditions:
Ehlers-Danlos syndrome, type 4 (EDSVASC). Also called: Ehlers-Danlos syndrome vascular type; Ehlers Danlos syndrome, ecchymotic type; Ehlers Danlos syndrome, arterial type; Ehlers Danlos syndrome, Sack-Barabas type; Ehlers-Danlos Syndrome Type IV. Identifiers: Orphanet 286, MedGen C0268338, MONDO:0017314, OMIM 130050.

Allele frequency attached by ClinVar (database versions not stated): gnomAD 0.00001; TOPMed below 0.00001.
gnomAD v4.1: 3 of 1,593,362 alleles (0.00019%); highest among the groups gnomAD compares: East Asian, 0.0023%; no homozygotes.

Submission:

Labcorp Genetics (formerly Invitae), Labcorp
Classification: Uncertain significance for Ehlers-Danlos syndrome, type 4. Last evaluated: 2026-01-06. Review status: criteria provided, single submitter. Criteria: Invitae Variant Classification Sherloc (09022015). Collection method: clinical testing. Allele origin: germline.
Comment: This sequence change replaces proline, which is neutral and non-polar, with threonine, which is neutral and polar, at codon 692 of the COL3A1 protein (p.Pro692Thr). This variant is not present in population databases (gnomAD no frequency). This variant has not been reported in the literature in individuals affected with COL3A1-related conditions. ClinVar contains an entry for this variant (Variation ID: 580745). Invitae Evidence Modeling of protein sequence and biophysical properties (such as structural, functional, and spatial information, amino acid conservation, physicochemical variation, residue mobility, and thermodynamic stability) indicates that this missense variant is not expected to disrupt COL3A1 protein function with a negative predictive value of 95%. In summary, the available evidence is currently insufficient to determine the role of this variant in disease. Therefore, it has been classified as a Variant of Uncertain Significance.